The following is an entry in ClinVar:

ClinVar aggregate classification (germline): Pathogenic (1 of 4 stars; one submission).

Conditions:
Hereditary insensitivity to pain with anhidrosis (CIPA). Also called: NTRK1 Congenital Insensitivity to Pain with Anhidrosis; INSENSITIVITY TO PAIN, CONGENITAL, WITH ANHIDROSIS; HSAN Type IV; hereditary sensory and autonomic neuropathy type 4; NEUROPATHY, CONGENITAL SENSORY, WITH ANHIDROSIS; FAMILIAL DYSAUTONOMIA, TYPE II. Identifiers: Orphanet 642, MedGen C0020074, MONDO:0009746, OMIM 256800.

Submission:

Labcorp Genetics (formerly Invitae), Labcorp
Classification: Pathogenic for Hereditary insensitivity to pain with anhidrosis. Last evaluated: 2019-06-07. Review status: criteria provided, single submitter. Criteria: Invitae Variant Classification Sherloc (09022015). Collection method: clinical testing. Allele origin: germline.
Comment: For these reasons, this variant has been classified as Pathogenic. Loss-of-function variants in NTRK1 are known to be pathogenic (PMID: 10982191). This variant has not been reported in the literature in individuals with NTRK1-related conditions. This variant is not present in population databases (ExAC no frequency). This sequence change creates a premature translational stop signal (p.Gln77Hisfs*11) in the NTRK1 gene. It is expected to result in an absent or disrupted protein product.

Literature cited by the submitters: PubMed 10982191.

NM_002529.4(NTRK1):c.231del (p.Gln77fs)

Gene: NTRK1 (neurotrophic receptor tyrosine kinase 1; plus strand). Cytogenetic location: 1q23.1.
Variant type: Deletion.
Coding change: c.231del on transcript NM_002529.4 (MANE Select); coding-DNA position 231, one base deleted (G; older notation c.231delG).
Protein change: p.Gln77fs; shifts the reading frame from glutamine 77.
Molecular consequence: frameshift variant.
Genome position (GRCh38, 1-based): chr1:156,864,372, G deleted. VCF-style (leftmost placement, unchanged base first): chr1-156864371-AG-A. GRCh37 (hg19) VCF-style: chr1-156834163-AG-A.
Other names: c.141del, p.Gln47fs (NM_001007792.1); c.231del, p.Gln77fs (NM_001012331.2); short protein forms Q47fs, Q77fs.
Identifiers: ClinVar variation 935126 (VCV000935126.7), dbSNP rs1655825221, ClinGen allele CA1139656365.